The following is an entry in ClinVar:

ClinVar aggregate classification (germline): Uncertain significance (1 of 4 stars; one submission).

Conditions:
Mucopolysaccharidosis, MPS-III-B (MPS3B). Also called: N-ACETYL-ALPHA-D-GLUCOSAMINIDASE DEFICIENCY; NAGLU DEFICIENCY; SANFILIPPO SYNDROME B; MPS III B; MPS IIIB (Sanfilippo Syndrome Type B); MUCOPOLYSACCHARIDOSIS, TYPE IIIB. Identifiers: Orphanet 79270, MedGen C0086648, MONDO:0009656, OMIM 252920.
Charcot-Marie-Tooth disease axonal type 2V. Also called: CHARCOT-MARIE-TOOTH NEUROPATHY, TYPE 2V; CHARCOT-MARIE-TOOTH DISEASE, AXONAL, AUTOSOMAL DOMINANT, TYPE 2V. Identifiers: Orphanet 447964, MedGen C5569050, MONDO:0014665, OMIM 616491.

Submission:

Labcorp Genetics (formerly Invitae), Labcorp
Classification: Uncertain significance for Charcot-Marie-Tooth disease axonal type 2V; Mucopolysaccharidosis, MPS-III-B. Last evaluated: 2021-05-19. Review status: criteria provided, single submitter. Criteria: Invitae Variant Classification Sherloc (09022015). Collection method: clinical testing. Allele origin: germline.
Comment: In summary, the available evidence is currently insufficient to determine the role of this variant in disease. Therefore, it has been classified as a Variant of Uncertain Significance. Advanced modeling of protein sequence and biophysical properties (such as structural, functional, and spatial information, amino acid conservation, physicochemical variation, residue mobility, and thermodynamic stability) performed at Invitae indicates that this missense variant is expected to disrupt NAGLU protein function. This variant has not been reported in the literature in individuals with NAGLU-related conditions. This variant is not present in population databases (ExAC no frequency). This sequence change replaces phenylalanine with leucine at codon 692 of the NAGLU protein (p.Phe692Leu). The phenylalanine residue is highly conserved and there is a small physicochemical difference between phenylalanine and leucine.

NM_000263.4(NAGLU):c.2076C>G (p.Phe692Leu)

Gene: NAGLU (N-acetyl-alpha-glucosaminidase; plus strand). Cytogenetic location: 17q21.2.
Variant type: single nucleotide variant.
Coding change: c.2076C>G on transcript NM_000263.4 (MANE Select); coding-DNA position 2076, C replaced by G.
Protein change: p.Phe692Leu; replaces phenylalanine 692 with leucine.
Molecular consequence: missense variant.
Genome position (GRCh38, 1-based): chr17:42,544,082, C>G. VCF-style: chr17-42544082-C-G. GRCh37 (hg19) VCF-style: chr17-40696100-C-G.
Other names: short protein forms F692L.
Identifiers: ClinVar variation 1493737 (VCV001493737.6), dbSNP rs2092930476, ClinGen allele CA399606098.